The following is an entry in ClinVar:

NC_000022.11:g.40345910G>A

Gene: ADSL (adenylosuccinate lyase; plus strand). Cytogenetic location: 22q13.1.
Variant type: single nucleotide variant.
Genome position: GRCh38 VCF-style: chr22-40345910-G-A. GRCh37 (hg19) VCF-style: chr22-40741914-G-A.
Identifiers: ClinVar variation 2101553 (VCV002101553.5), dbSNP rs2518074903, ClinGen allele CA2580099823.

ClinVar aggregate classification (germline): Uncertain significance (1 of 4 stars; one submission).

Conditions:
Adenylosuccinate lyase deficiency (ADSLD). Also called: ADSL DEFICIENCY. Identifiers: Orphanet 46, MedGen C0268126, MONDO:0007068, OMIM 103050.

Submission:

Labcorp Genetics (formerly Invitae), Labcorp
Classification: Uncertain significance for Adenylosuccinate lyase deficiency. Last evaluated: 2022-08-22. Review status: criteria provided, single submitter. Criteria: Invitae Variant Classification Sherloc (09022015). Collection method: clinical testing. Allele origin: germline.
Comment: In summary, the available evidence is currently insufficient to determine the role of this variant in disease. Therefore, it has been classified as a Variant of Uncertain Significance. Experimental studies and prediction algorithms are not available or were not evaluated, and the functional significance of this variant is currently unknown. This variant has not been reported in the literature in individuals affected with ADSL-related conditions. This variant is not present in population databases (gnomAD no frequency). This variant occurs in a non-coding region of the ADSL gene. It does not change the encoded amino acid sequence of the ADSL protein.